The following is an entry in ClinVar:

ClinVar aggregate classification (germline): Conflicting classifications of pathogenicity. Review status: criteria provided, conflicting classifications (1 of 4 stars). 3 submissions from 3 submitters: Uncertain significance (2); Likely benign (1). Last evaluated 2025-09-24.

Conditions:
Ehlers-Danlos syndrome, spondylodysplastic type, 3. Also called: Ehlers-Danlos syndrome, spondylocheirodysplastic type. Identifiers: Orphanet 157965, MedGen C2676510, MONDO:0012873, OMIM 612350.
Inborn genetic diseases. Identifiers: MedGen C0950123, MeSH D030342.

Allele frequency attached by ClinVar (database versions not stated): gnomAD 0.00002 and 0.00005; ESP Exome Variant Server 0.00008; gnomAD exomes 0.00017 and 0.00009; TOPMed 0.00002; ExAC 0.00018.

Submissions (3):

Mayo Clinic Laboratories, Mayo Clinic
Classification: Likely benign. Last evaluated: 2025-09-24. Review status: criteria provided, single submitter. Criteria: ACMG Guidelines, 2015. Collection method: clinical testing. Allele origin: germline. Observed: 1 variant allele.
Comment: BS1, BP5_moderate

Labcorp Genetics (formerly Invitae), Labcorp
Classification: Uncertain significance for Ehlers-Danlos syndrome, spondylodysplastic type, 3. Last evaluated: 2024-01-17. Review status: criteria provided, single submitter. Criteria: Invitae Variant Classification Sherloc (09022015). Collection method: clinical testing. Allele origin: germline.
Comment: This sequence change replaces arginine, which is basic and polar, with tryptophan, which is neutral and slightly polar, at codon 38 of the SLC39A13 protein (p.Arg38Trp). This variant is present in population databases (rs149930229, gnomAD 0.1%). This variant has not been reported in the literature in individuals affected with SLC39A13-related conditions. ClinVar contains an entry for this variant (Variation ID: 1424130). Algorithms developed to predict the effect of missense changes on protein structure and function output the following: SIFT: "Not Available"; PolyPhen-2: "Benign"; Align-GVGD: "Not Available". The tryptophan amino acid residue is found in multiple mammalian species, which suggests that this missense change does not adversely affect protein function. In summary, the available evidence is currently insufficient to determine the role of this variant in disease. Therefore, it has been classified as a Variant of Uncertain Significance.

Ambry Genetics
Classification: Uncertain significance for Inborn genetic diseases. Last evaluated: 2022-04-22. Review status: criteria provided, single submitter. Criteria: Ambry Variant Classification Scheme 2023. Collection method: clinical testing. Allele origin: germline.

NM_001128225.3(SLC39A13):c.112C>T (p.Arg38Trp)

Gene: SLC39A13 (solute carrier family 39 member 13; plus strand). Cytogenetic location: 11p11.2.
Variant type: single nucleotide variant.
Coding change: c.112C>T on transcript NM_001128225.3 (MANE Select); coding-DNA position 112, C replaced by T.
Protein change: p.Arg38Trp; replaces arginine 38 with tryptophan.
Molecular consequence: missense variant. On other transcripts: non-coding transcript variant (1).
Genome position (GRCh38, 1-based): chr11:47,410,206, C>T. VCF-style: chr11-47410206-C-T. GRCh37 (hg19) VCF-style: chr11-47431757-C-T.
Other names: p.Arg38Trp; c.112C>T, p.Arg38Trp (NM_001330245.2, NM_152264.5); c.112C>T (NM_152264.4); short protein forms R38W.
Identifiers: ClinVar variation 1424130 (VCV001424130.9), dbSNP rs149930229, ClinGen allele CA5975665.